The following is an entry in ClinVar:

ClinVar aggregate classification (germline): Benign. Review status: criteria provided, multiple submitters, no conflicts (2 of 4 stars). 2 submissions from 2 submitters: Benign (2). Last evaluated 2018-01-13.

Conditions:
Cone-rod dystrophy 5 (CORD5). Identifiers: Orphanet 1872, MedGen C1832976, MONDO:0010969, OMIM 600977.

Allele frequency attached by ClinVar (database versions not stated): TOPMed 0.03499; gnomAD 0.03645 and 0.03717; 1000 Genomes Project 30x 0.03841; 1000 Genomes Project 0.03914; gnomAD exomes 0.05229.
gnomAD v4.1: 5,637 of 152,574 alleles (3.7%); highest among the groups gnomAD compares: South Asian, 5.5%; 98 homozygotes.

Submissions (2):

Illumina Laboratory Services, Illumina
Classification: Benign for Cone-rod dystrophy 5. Last evaluated: 2018-01-13. Review status: criteria provided, single submitter. Criteria: ICSL Variant Classification Criteria 13 December 2019. Collection method: clinical testing. Allele origin: germline.
Comment: This variant was observed in the ICSL laboratory as part of a predisposition screen in an ostensibly healthy population. It had not been previously curated by ICSL or reported in the Human Gene Mutation Database (HGMD: prior to June 1st, 2018), and was therefore a candidate for classification through an automated scoring system. Utilizing variant allele frequency, disease prevalence and penetrance estimates, and inheritance mode, an automated score was calculated to assess if this variant is too frequent to cause the disease. Based on the score and internal cut-off values, a variant classified as benign is not then subjected to further curation. The score for this variant resulted in a classification of benign for this disease.

Breakthrough Genomics
Classification: Benign. Review status: criteria provided, single submitter. Criteria: ACMG Guidelines, 2015. Collection method: not provided. Allele origin: germline. Inheritance: Autosomal dominant inheritance. Affected: yes.

NM_031220.4(PITPNM3):c.*1909G>C

Gene: PITPNM3 (PITPNM family member 3; minus strand). Cytogenetic location: 17p13.2.
Variant type: single nucleotide variant.
Coding change: c.*1909G>C on transcript NM_031220.4 (MANE Select); 1909 bases downstream of the stop codon, G replaced by C.
Molecular consequence: 3 prime UTR variant.
Genome position (GRCh38, 1-based): chr17:6,453,429, C>G on the plus strand (G>C on the coding strand, the complement: PITPNM3 is on the minus strand). VCF-style: chr17-6453429-C-G. GRCh37 (hg19) VCF-style: chr17-6356749-C-G.
Other names: c.*1909G>C (NM_001165966.2).
Identifiers: ClinVar variation 324717 (VCV000324717.6), dbSNP rs58508424, ClinGen allele CA10640300.